The following is an entry in ClinVar:

ClinVar aggregate classification (germline): Uncertain significance. Review status: criteria provided, multiple submitters, no conflicts (2 of 4 stars). 2 submissions from 2 submitters: Uncertain significance (2). Last evaluated 2024-05-01.

Allele frequency attached by ClinVar (database versions not stated): gnomAD exomes below 0.00001; TOPMed below 0.00001; ExAC 0.00001; gnomAD 0.00001.
gnomAD v4.1: 7 of 1,555,048 alleles (0.00045%); highest among the groups gnomAD compares: Non-Finnish European, 0.00061%; no homozygotes.

Submissions (2):

CeGaT Center for Human Genetics Tuebingen
Classification: Uncertain significance. Last evaluated: 2024-05-01. Review status: criteria provided, single submitter. Criteria: CeGaT Center For Human Genetics Tuebingen Variant Classification Criteria Version 2. Collection method: clinical testing. Allele origin: germline. Affected: yes. Observed: 1 variant allele.
Comment: ZBTB20: PP2

Labcorp Genetics (formerly Invitae), Labcorp
Classification: Uncertain significance. Last evaluated: 2023-03-03. Review status: criteria provided, single submitter. Criteria: Invitae Variant Classification Sherloc (09022015). Collection method: clinical testing. Allele origin: germline.
Comment: This sequence change replaces lysine, which is basic and polar, with glutamic acid, which is acidic and polar, at codon 723 of the ZBTB20 protein (p.Lys723Glu). This variant is present in population databases (rs755626140, gnomAD 0.002%). This variant has not been reported in the literature in individuals affected with ZBTB20-related conditions. Advanced modeling of protein sequence and biophysical properties (such as structural, functional, and spatial information, amino acid conservation, physicochemical variation, residue mobility, and thermodynamic stability) performed at Invitae indicates that this missense variant is expected to disrupt ZBTB20 protein function. In summary, the available evidence is currently insufficient to determine the role of this variant in disease. Therefore, it has been classified as a Variant of Uncertain Significance.

NM_001348800.3(ZBTB20):c.2167A>G (p.Lys723Glu)

Gene: ZBTB20 (zinc finger and BTB domain containing 20; minus strand). Cytogenetic location: 3q13.31.
Variant type: single nucleotide variant.
Coding change: c.2167A>G on transcript NM_001348800.3 (MANE Select); coding-DNA position 2167, A replaced by G.
Protein change: p.Lys723Glu; replaces lysine 723 with glutamic acid.
Molecular consequence: missense variant. On other transcripts: non-coding transcript variant (1).
Genome position (GRCh38, 1-based): chr3:114,339,064, T>C on the plus strand (A>G on the coding strand, the complement: ZBTB20 is on the minus strand). VCF-style: chr3-114339064-T-C. GRCh37 (hg19) VCF-style: chr3-114057911-T-C.
Other names: c.2167A>G, p.Lys723Glu (NM_001164342.2, NM_001348803.3, NM_001393393.1 and 1 more transcripts); c.1948A>G, p.Lys650Glu (NM_001164343.2, NM_001164344.4, NM_001164345.4 and 9 more transcripts); short protein forms K723E, K650E.
Identifiers: ClinVar variation 3001136 (VCV003001136.22), dbSNP rs755626140, ClinGen allele CA2551195.